The following is an entry in ClinVar:

NM_016203.4(PRKAG2):c.733A>C (p.Lys245Gln)

Genes: PRKAG2 (protein kinase AMP-activated non-catalytic subunit gamma 2; minus strand), LOC129999660 (ATAC-STARR-seq lymphoblastoid silent region 18823; plus strand). Cytogenetic location: 7q36.1.
Variant type: single nucleotide variant.
Coding change: c.733A>C on transcript NM_016203.4 (MANE Select); coding-DNA position 733, A replaced by C.
Protein change: p.Lys245Gln; replaces lysine 245 with glutamine.
Molecular consequence: missense variant.
Genome position (GRCh38, 1-based): chr7:151,632,090, T>G on the plus strand (A>C on the coding strand, the complement: PRKAG2 is on the minus strand). VCF-style: chr7-151632090-T-G. GRCh37 (hg19) VCF-style: chr7-151329176-T-G.
Other names: c.601A>C, p.Lys201Gln (NM_001040633.2); c.361A>C, p.Lys121Gln (NM_001304527.2, NM_001363698.2); c.10A>C, p.Lys4Gln (NM_001304531.2, NM_024429.2); short protein forms K121Q, K201Q, K245Q, K4Q.
Identifiers: ClinVar variation 1055180 (VCV001055180.11), dbSNP rs2151325092, ClinGen allele CA370071215.

ClinVar aggregate classification (germline): Uncertain significance (1 of 4 stars; one submission).

Conditions:
Lethal congenital glycogen storage disease of heart. Also called: GLYCOGEN STORAGE DISEASE OF HEART; PHOSPHORYLASE KINASE DEFICIENCY OF HEART. Identifiers: Orphanet 439854, MedGen C1849813, MONDO:0009867, OMIM 261740.

Submission:

Labcorp Genetics (formerly Invitae), Labcorp
Classification: Uncertain significance for Lethal congenital glycogen storage disease of heart. Last evaluated: 2022-07-13. Review status: criteria provided, single submitter. Criteria: Invitae Variant Classification Sherloc (09022015). Collection method: clinical testing. Allele origin: germline.
Comment: ClinVar contains an entry for this variant (Variation ID: 1055180). This sequence change replaces lysine, which is basic and polar, with glutamine, which is neutral and polar, at codon 245 of the PRKAG2 protein (p.Lys245Gln). This variant is not present in population databases (gnomAD no frequency). This variant has not been reported in the literature in individuals affected with PRKAG2-related conditions. Advanced modeling of protein sequence and biophysical properties (such as structural, functional, and spatial information, amino acid conservation, physicochemical variation, residue mobility, and thermodynamic stability) performed at Invitae indicates that this missense variant is not expected to disrupt PRKAG2 protein function. In summary, the available evidence is currently insufficient to determine the role of this variant in disease. Therefore, it has been classified as a Variant of Uncertain Significance.